The following is an entry in ClinVar:

ClinVar aggregate classification (germline): Conflicting classifications of pathogenicity. Review status: criteria provided, conflicting classifications (1 of 4 stars). 6 submissions from 5 submitters: Likely pathogenic (2); Uncertain significance (4). Last evaluated 2026-04-30.

Conditions:
PHGDH deficiency. Identifiers: Orphanet 79351, MedGen C1866174, MONDO:0011152, OMIM 601815.
Neurometabolic disorder due to serine deficiency. Identifiers: Orphanet 35705, MedGen C5680148, MONDO:0018162.
Neu-Laxova syndrome 1 (NLS1). Identifiers: Orphanet 2671, Orphanet 583607, MedGen C4551478, MONDO:0009736, OMIM 256520. Disease mechanism: loss of function.

Allele frequency attached by ClinVar (database versions not stated): TOPMed 0.00003.
gnomAD v4.1: 10 of 1,612,788 alleles (0.00062%); highest among the groups gnomAD compares: Admixed American, 0.0017%; no homozygotes.

Submissions (6):

Myriad Genetics, Inc.
Classification: Likely pathogenic for Neurometabolic disorder due to serine deficiency. Last evaluated: 2026-04-30. Review status: criteria provided, single submitter. Criteria: Myriad Autosomal Dominant, Autosomal Recessive and X-Linked Classification Criteria (2023). Collection method: clinical testing. Allele origin: unknown.
Comment: NM_006623.3(PHGDH):c.1117G>A(A373T) is a missense variant classified as likely pathogenic in the context of serine deficiency disorder, PHGDH-related. A373T has been observed in cases with relevant disease (PMID: 19235232, Salleh_2021(article)). Relevant functional assessments of this variant are available in the literature (PMID: 19235232). A373T has been observed in referenced population frequency databases. In summary, NM_006623.3(PHGDH):c.1117G>A(A373T) is a missense variant that has functional support for pathogenicity and has been observed more frequently in cases with the relevant disease than in healthy populations. Please note: this variant was assessed in the context of healthy population screening.

Natera, Inc.
Classification: Likely pathogenic for Phosphoglycerate dehydrogenase deficiency. Last evaluated: 2025-11-10. Review status: criteria provided, single submitter. Criteria: Natera Variant Classification Schema (03/2026). Collection method: clinical testing. Allele origin: germline.
Comment: The c.1117G>A variant in PHGDH is a missense variant predicted to cause substitution of alanine to threonine at amino acid 373. This variant is rare in the general population with a frequency below the threshold expected for the associated phenotype(s). This variant has been observed in one or more individuals affected with the associated recessive disease, as either homozygous or compound heterozygous with a second variant (PMID: 19235232). Functional studies show that this variant may disrupt protein function (PMID: 19235232). Computational prediction algorithms indicate this variant is likely to affect gene or protein function. Given the available evidence, this variant is classified as Likely Pathogenic.

Genome-Nilou Lab
Classification: Uncertain significance for Neu-Laxova syndrome 1. Last evaluated: 2023-04-11. Review status: criteria provided, single submitter. Criteria: ACMG Guidelines, 2015. Collection method: clinical testing. Allele origin: germline. Affected: no.

Genome-Nilou Lab
Classification: Uncertain significance for PHGDH deficiency. Last evaluated: 2023-04-11. Review status: criteria provided, single submitter. Criteria: ACMG Guidelines, 2015. Collection method: clinical testing. Allele origin: germline. Affected: no.

Labcorp Genetics (formerly Invitae), Labcorp
Classification: Uncertain significance for PHGDH deficiency. Last evaluated: 2022-07-03. Review status: criteria provided, single submitter. Criteria: Invitae Variant Classification Sherloc (09022015). Collection method: clinical testing. Allele origin: germline.
Comment: This sequence change replaces alanine, which is neutral and non-polar, with threonine, which is neutral and polar, at codon 373 of the PHGDH protein (p.Ala373Thr). This variant is present in population databases (no rsID available, gnomAD 0.003%). This missense change has been observed in individual(s) with phosphoglycerate dehydrogenase deficiency (PMID: 19235232). ClinVar contains an entry for this variant (Variation ID: 635039). Algorithms developed to predict the effect of missense changes on protein structure and function are either unavailable or do not agree on the potential impact of this missense change (SIFT: "Tolerated"; PolyPhen-2: "Probably Damaging"; Align-GVGD: "Class C0"). Experimental studies have shown that this missense change affects PHGDH function (PMID: 19235232). In summary, the available evidence is currently insufficient to determine the role of this variant in disease. Therefore, it has been classified as a Variant of Uncertain Significance.

Broad Center for Mendelian Genomics, Broad Institute of MIT and Harvard
Classification: Uncertain significance for PHGDH deficiency. Last evaluated: 2018-06-15. Review status: criteria provided, single submitter. Criteria: ACMG Guidelines, 2015. Collection method: research. Allele origin: germline. Inheritance: Autosomal recessive inheritance. Affected: yes.
Comment: This variant has been identified in <0.01% (1/33582) of Latino chromosomes by the Genome Aggregation Database (gnomAD; dbSNP rs201553627). Although this variant has been seen in the general population, its frequency is low enough to be consistent with a recessive carrier frequency. The Alanine (Ala) at position 373 is highly conserved in mammals and evolutionarily distant species, raising the possibility that a change at this position may not be tolerated. Computational prediction tools do not provide strong support for or against an impact to the protein. In summary, while there is some suspicion for a pathogenic role, the clinical significance of this variant is uncertain.

Literature cited by the submitters: PubMed 19235232 (cited by 3 submitters).

NM_006623.4(PHGDH):c.1117G>A (p.Ala373Thr)

Gene: PHGDH (phosphoglycerate dehydrogenase; plus strand). Cytogenetic location: 1p12.
Variant type: single nucleotide variant.
Coding change: c.1117G>A on transcript NM_006623.4 (MANE Select); coding-DNA position 1117, G replaced by A.
Protein change: p.Ala373Thr; replaces alanine 373 with threonine.
Molecular consequence: missense variant.
Genome position (GRCh38, 1-based): chr1:119,741,805, G>A. VCF-style: chr1-119741805-G-A. GRCh37 (hg19) VCF-style: chr1-120284428-G-A.
Other names: c.1117G>A (NM_006623.3); short protein forms A373T.
Identifiers: ClinVar variation 635039 (VCV000635039.5), dbSNP rs201553627, ClinGen allele CA341852909.